The following is an entry in ClinVar:

ClinVar aggregate classification (germline): Pathogenic/Likely pathogenic. Review status: criteria provided, multiple submitters, no conflicts (2 of 4 stars). 14 submissions from 14 submitters: Pathogenic (10); Likely pathogenic (3). 1 of the submissions does not count toward it. Last evaluated 2026-02-16.

Conditions:
Inborn genetic diseases. Identifiers: MedGen C0950123, MeSH D030342.
Pontoneocerebellar hypoplasia. Also called: Pontocerebellar hypoplasia; Non-syndromic pontocerebellar hypoplasia. Identifiers: Orphanet 98523, MedGen C1261175, MONDO:0020135.
Lennox-Gastaut syndrome. Also called: Epileptic encephalopathy Lennox-Gastaut type. Identifiers: Orphanet 2382, MedGen C0238111, MONDO:0016532.
Pontocerebellar hypoplasia type 6 (PCH6). Identifiers: Orphanet 166073, MedGen C1969084, MONDO:0012683, OMIM 611523.

Allele frequency attached by ClinVar (database versions not stated): TOPMed 0.00010.

Submissions (14):

Women's Health and Genetics/Laboratory Corporation of America, LabCorp
Classification: Pathogenic for Pontoneocerebellar hypoplasia. Last evaluated: 2026-02-16. Review status: criteria provided, single submitter. Criteria: LabCorp Variant Classification Summary - May 2015. Collection method: clinical testing. Allele origin: germline.
Comment: Variant summary: RARS2 c.1A>G (p.Met1Val) alters the initiation codon and is predicted to result either in absence of the protein or truncation of the encoded protein due to translation initiation at a downstream codon. The next downstream in-frame methionine codon is at position 176.The variant allele was found at a frequency of 0.00011 in 250932 control chromosomes. This frequency is not significantly higher than estimated for disease-causing variants in RARS2, allowing no conclusion about variant significance. c.1A>G has been observed in multiple individuals affected with Pontocerebellar Hypoplasia, Type 6 (e.g., Chuan_2022, Helbig_2016, Lax_2015, Legati_2016, Weng_2021). These data indicate that the variant is very likely to be associated with disease. The following publications have been ascertained in the context of this evaluation (PMID: 35571021, 26795593, 26083569, 26968897, 34247374). ClinVar contains an entry for this variant (Variation ID: 225026). Based on the evidence outlined above, the variant was classified as pathogenic.

Labcorp Genetics (formerly Invitae), Labcorp
Classification: Pathogenic. Last evaluated: 2026-01-19. Review status: criteria provided, single submitter. Criteria: Invitae Variant Classification Sherloc (09022015). Collection method: clinical testing. Allele origin: germline.
Comment: This sequence change affects the initiator codon of the RARS2 mRNA. This change may impact translation initiation or efficiency. The next in-frame methionine is located at codon 176. This variant is present in population databases (rs774923951, gnomAD 0.03%). Disruption of the initiator codon has been observed in individual(s) with pontocerebellar hypoplasia (PMID: 26083569). It has also been observed to segregate with disease in related individuals. ClinVar contains an entry for this variant (Variation ID: 225026). This variant disrupts the p.Gln12 amino acid residue in RARS2. Other variant(s) that disrupt this residue have been determined to be pathogenic (PMID: 20635367, 20952379, 22569581). This suggests that this residue is clinically significant, and that variants that disrupt this residue are likely to be disease-causing. For these reasons, this variant has been classified as Pathogenic.

Natera, Inc.
Classification: Pathogenic for Pontocerebellar hypoplasia, type 6. Last evaluated: 2025-12-17. Review status: criteria provided, single submitter. Criteria: Natera Variant Classification Schema (03/2026). Collection method: clinical testing. Allele origin: germline.
Comment: The c.1A>G variant in RARS2 is predicted to result in start loss due to disruption of the initiator methionine. This variant is expected to result in nonsense mediated decay, truncation, or a dysfunctional protein product. The frequency of this variant in the general population is greater than expected for disorder. This variant has been observed in one or more individuals affected with the associated recessive disease, as either homozygous or compound heterozygous with a second variant (PMID: 34085948, 26795593, 26083569). Additionally, this variant has been observed to segregate in affected family members (PMID: 26083569). Given the available evidence, this variant is classified as Pathogenic.

GeneDx
Classification: Pathogenic. Last evaluated: 2025-08-11. Review status: criteria provided, single submitter. Criteria: GeneDx Variant Classification Process June 2021. Collection method: clinical testing. Allele origin: germline. Affected: yes.
Comment: Observed with a second RARS2 variant in patients with features of aminoacyl-tRNA synthetase deficiency in published literature (PMID: 26083569, 25356970, 26795593); Initiation codon variant in a gene for which loss of function is a known mechanism of disease; This variant is associated with the following publications: (PMID: 34670123, 34085948, 29434700, 26083569, 25356970, 26795593, 25326635, 31980526, 34426522, 31589614, 34247374, 35571021)

Ambry Genetics
Classification: Likely pathogenic for Inborn genetic diseases. Last evaluated: 2024-08-26. Review status: criteria provided, single submitter. Criteria: Ambry Variant Classification Scheme 2023. Collection method: clinical testing. Allele origin: germline.
Comment: The c.1A>G (p.M1?) alteration is located in coding exon 1 of the RARS2 gene and results from a A to G substitution at nucleotide position 1. This alters the methionine residue at the initiation codon (ATG). Sequence variations that modify the initiation codon are expected to result in either loss of translation initiation, N-terminal truncation, or cause a shift in the mRNA reading frame. Based on data from gnomAD, the G allele has an overall frequency of 0.011% (31/282330) total alleles studied. The highest observed frequency was 0.033% (10/30616) of South Asian alleles. This variant has been identified in conjunction with other RARS2 variants in individuals with features consistent with mitochondrial arginyl-tRNA synthetase; in at least one instance, the variants were identified in trans (Farwell, 2015; Lax, 2015; Helbig, 2016; Matricardi, 2019; Weng, 2021; Chuan, 2022; Zhao, 2024). Based on the available evidence, this alteration is classified as likely pathogenic.

Fulgent Genetics
Classification: Pathogenic for Pontocerebellar hypoplasia type 6. Last evaluated: 2024-06-05. Review status: criteria provided, single submitter. Criteria: ACMG Guidelines, 2015. Collection method: clinical testing. Allele origin: germline.

Rady Children's Institute for Genomic Medicine, Rady Children's Hospital San Diego
Classification: Pathogenic for PONTOCEREBELLAR HYPOPLASIA, TYPE 6. Last evaluated: 2024-05-03. Review status: criteria provided, single submitter. Criteria: ACMG Guidelines, 2015. Collection method: clinical testing. Allele origin: germline. Affected: yes.
Comment: This start lost variant affects the translation initiation codon (Met1) and is therefore predicted to result in loss of normal protein function. Loss-of-function variation in RARS2 is an established mechanism of disease (PMID: 17847012, 24047924, 38438854). This variant has been previously reported as a compound heterozygous change in individuals with pontocerebellar hypoplasia (PMID: 26083569, 25356970, 34247374, 35571021). Other variations (c.1A>T, c.3G>A, c.3G>C) at the same amino acid residue (p.Met1) have been previously reported in individuals with pontocerebellar hypoplasia (PMID: 34717047, 33798445, 35468344). The c.1A>G (p.Met1?) variant is present in the heterozygous state in the gnomAD v4 population database at a frequency of 0.006% (103/1614092), and is absent in the homozygous state, thus is presumed to be rare. Based on the available evidence, c.1A>G (p.Met1?) is classified as Pathogenic.

3billion
Classification: Pathogenic for Pontocerebellar hypoplasia type 6. Last evaluated: 2023-12-28. Review status: criteria provided, single submitter. Criteria: ACMG Guidelines, 2015. Collection method: clinical testing. Allele origin: germline. Affected: yes.
Comment: The variant is observed at an extremely low frequency in the gnomAD v2.1.1 dataset (total allele frequency: 0.011%). Predicted Consequence/Location: Start-lost: reinitiation of translation may occur at a downstream alternate start codon but still result in a loss or disruption of normal protein function as there have been pathogenic variants reported upstream of the alternate start codon. Functional studies provide supporting evidence of the variant having a damaging effect on the gene or gene product (PMID: 26083569). The variant has been reported to be in trans with a pathogenic variant as either compound heterozygous or homozygous in at least one similarly affected unrelated individual (PMID: 26083569). The variant has been reported at least twice as pathogenic with clinical assertions and evidence for the classification (ClinVar ID: VCV000225026 /PMID: 26083569). Therefore, this variant is classified as Pathogenic according to the recommendation of ACMG/AMP guideline.

Unidad de Genómica Garrahan, Hospital de Pediatría Garrahan
Classification: Pathogenic for Lennox-Gastaut syndrome. Last evaluated: 2022-01-01. Review status: criteria provided, single submitter. Criteria: ACMG Guidelines, 2015. Collection method: clinical testing. Allele origin: maternal. Affected: yes. Observed: 1 variant allele.
Comment: PVS1, PS1, PS3, PM2, PM3. Observed in compound heterozygosity with NM_020320.5:c.754T>A; (p.Tyr252Asn).

Genetics and Genomic Medicine Centre, NeuroGen Healthcare, NeuroGen Healthcare
Classification: Pathogenic for Pontocerebellar hypoplasia type 6. Last evaluated: 2021-03-06. Review status: criteria provided, single submitter. Criteria: Submitter's publication. Collection method: clinical testing. Allele origin: unknown. Affected: no.

Revvity Omics, Revvity
Classification: Likely pathogenic for Pontocerebellar hypoplasia type 6. Last evaluated: 2020-01-30. Review status: criteria provided, single submitter. Criteria: ACMG Guidelines, 2015. Collection method: clinical testing. Allele origin: germline.

Baylor Genetics
Classification: Pathogenic for Pontocerebellar hypoplasia type 6. Last evaluated: 2017-09-01. Review status: criteria provided, single submitter. Criteria: ACMG Guidelines, 2015. Collection method: clinical testing. Allele origin: germline. Inheritance: Autosomal recessive inheritance. Affected: yes.
Comment: Heterozygotes are expected to be asymptomatic carriers.

Juno Genomics, Hangzhou Juno Genomics, Inc
Classification: Likely pathogenic for Pontocerebellar hypoplasia type 6. Review status: criteria provided, single submitter. Criteria: ACMG Guidelines, 2015. Collection method: clinical testing. Allele origin: germline.
Comment: Absent from controls (or at extremely low frequency if recessive) in Genome Aggregation Database.;Null variant in a gene where loss of function (LOF) is a known mechanism of disease.;For recessive disorders, detected in trans with a pathogenic variant.;Co-segregation with disease in multiple affected family members.;Patient's phenotype or family history is highly specific for a disease with a single genetic etiology.

Neurology Department of Pediatrics, The Third Affiliated Hospital of Zhengzhou University
Classification: Pathogenic for Pontocerebellar hypoplasia type 6. Review status: no assertion criteria provided. Collection method: clinical testing. Allele origin: paternal. Inheritance: Autosomal recessive inheritance. Affected: yes. Not counted in ClinVar's aggregate classification.

Literature cited by the submitters: PubMed 26795593 (cited by 3 submitters); PubMed 26083569 (cited by 5 submitters); PubMed 26968897 (cited by Women's Health and Genetics/Laboratory Corporation of America, LabCorp); PubMed 35571021 (cited by Women's Health and Genetics/Laboratory Corporation of America, LabCorp and Ambry Genetics); PubMed 34247374 (cited by Women's Health and Genetics/Laboratory Corporation of America, LabCorp and Ambry Genetics); PubMed 20635367 (cited by Labcorp Genetics (formerly Invitae), Labcorp); PubMed 20952379 (cited by Labcorp Genetics (formerly Invitae), Labcorp); PubMed 22569581 (cited by Labcorp Genetics (formerly Invitae), Labcorp); PubMed 34085948 (cited by Natera, Inc.); PubMed 25356970 (cited by Ambry Genetics); PubMed 31102535 (cited by Ambry Genetics); PubMed 38009286 (cited by Ambry Genetics); PubMed 25326635 (cited by Baylor Genetics).

NM_020320.5(RARS2):c.1A>G (p.Met1Val)

Gene: RARS2 (arginyl-tRNA synthetase 2, mitochondrial; minus strand). Cytogenetic location: 6q15.
Variant type: single nucleotide variant.
Coding change: c.1A>G on transcript NM_020320.5 (MANE Select); coding-DNA position 1, A replaced by G.
Protein change: p.Met1Val; changes the start codon (methionine 1).
Molecular consequence: missense variant, initiator codon variant. On other transcripts: 5 prime UTR variant (7), non-coding transcript variant (23).
Genome position (GRCh38, 1-based): chr6:87,589,957, T>C on the plus strand (A>G on the coding strand, the complement: RARS2 is on the minus strand). VCF-style: chr6-87589957-T-C. GRCh37 (hg19) VCF-style: chr6-88299675-T-C.
Other names: NP_064716.2:p.(Met1?); c.-690A>G (NM_001318785.2); c.1A>G, p.Met1Val (NM_001350505.2); c.-746A>G (NM_001350506.2, NM_001350510.2); c.-869A>G (NM_001350507.2); c.-908A>G (NM_001350508.2); c.-616A>G (NM_001350509.2); c.-865A>G (NM_001350511.2); short protein forms M1V.
Identifiers: ClinVar variation 225026 (VCV000225026.34), dbSNP rs774923951, ClinGen allele CA358000.